The following is an entry in ClinVar:

NM_001148.6(ANK2):c.10962A>G (p.Glu3654=)

Gene: ANK2 (ankyrin 2; plus strand). Cytogenetic location: 4q26.
Variant type: single nucleotide variant.
Coding change: c.10962A>G on transcript NM_001148.6 (MANE Select); coding-DNA position 10962, A replaced by G.
Protein change: p.Glu3654=; no amino-acid change (glutamic acid 3654 retained).
Molecular consequence: synonymous variant.
Genome position (GRCh38, 1-based): chr4:113,365,112, A>G. VCF-style: chr4-113365112-A-G. GRCh37 (hg19) VCF-style: chr4-114286268-A-G.
Other names: c.4680A>G, p.Glu1560= (NM_001127493.3); c.4719A>G, p.Glu1573= (NM_001354225.2); c.4608A>G, p.Glu1536= (NM_001354228.2, NM_001354258.2); c.4686A>G, p.Glu1562= (NM_001354230.2); c.4749A>G, p.Glu1583= (NM_001354231.2, NM_001354242.2); c.4743A>G, p.Glu1581= (NM_001354232.2); c.4704A>G, p.Glu1568= (NM_001354235.2, NM_001354246.2, NM_001354265.2); c.4605A>G, p.Glu1535= (NM_001354236.2); and 35 more.
Identifiers: ClinVar variation 632631 (VCV000632631.15), dbSNP rs1564112382, ClinGen allele CA440829731.

ClinVar aggregate classification (germline): Likely benign. Review status: criteria provided, multiple submitters, no conflicts (2 of 4 stars). 3 submissions from 3 submitters: Likely benign (3). Last evaluated 2025-10-05.

Conditions:
Cardiovascular phenotype. Identifiers: MedGen CN230736.

Submissions (3):

Ambry Genetics
Classification: Likely benign for Cardiovascular phenotype. Last evaluated: 2025-10-05. Review status: criteria provided, single submitter. Criteria: Ambry Variant Classification Scheme 2023. Collection method: clinical testing. Allele origin: germline.

CeGaT Center for Human Genetics Tuebingen
Classification: Likely benign. Last evaluated: 2024-12-01. Review status: criteria provided, single submitter. Criteria: CeGaT Center For Human Genetics Tuebingen Variant Classification Criteria Version 2. Collection method: clinical testing. Allele origin: germline. Affected: yes. Observed: 1 variant allele.
Comment: ANK2: PM2:Supporting, BP4, BP7

Women's Health and Genetics/Laboratory Corporation of America, LabCorp
Classification: Likely benign. Last evaluated: 2019-08-20. Review status: criteria provided, single submitter. Criteria: LabCorp Variant Classification Summary - May 2015. Collection method: clinical testing. Allele origin: germline.